The following is an entry in ClinVar:

ClinVar aggregate classification (germline): Uncertain significance (1 of 4 stars; one submission).

Conditions:
Tuberous sclerosis 2 (TSC2). Identifiers: Orphanet 805, MedGen C1860707, MONDO:0013199, OMIM 613254.

Submission:

Labcorp Genetics (formerly Invitae), Labcorp
Classification: Uncertain significance for Tuberous sclerosis 2. Last evaluated: 2017-05-13. Review status: criteria provided, single submitter. Criteria: Invitae Variant Classification Sherloc (09022015). Collection method: clinical testing. Allele origin: germline.
Comment: This variant has not been reported in the literature in individuals with a TSC2-related disease. ClinVar contains an entry for this variant (Variation ID: 406033). This variant is not present in population databases (ExAC no frequency). This sequence change replaces leucine with proline at codon 713 of the TSC2 protein (p.Leu713Pro). The leucine residue is highly conserved and there is a moderate physicochemical difference between leucine and proline. Algorithms developed to predict the effect of missense changes on protein structure and function do not agree on the potential impact of this missense change (SIFT: "Deleterious"; PolyPhen-2: "Probably Damaging"; Align-GVGD: "Class C0"). In summary, this variant has uncertain impact on TSC2 function. The available evidence is currently insufficient to determine its role in disease. Therefore, it has been classified as a Variant of Uncertain Significance.

NM_000548.5(TSC2):c.2138T>C (p.Leu713Pro)

Gene: TSC2 (TSC complex subunit 2; plus strand). Cytogenetic location: 16p13.3.
Variant type: single nucleotide variant.
Coding change: c.2138T>C on transcript NM_000548.5 (MANE Select); coding-DNA position 2138, T replaced by C.
Protein change: p.Leu713Pro; replaces leucine 713 with proline.
Molecular consequence: missense variant.
Genome position (GRCh38, 1-based): chr16:2,072,281, T>C. VCF-style: chr16-2072281-T-C. GRCh37 (hg19) VCF-style: chr16-2122282-T-C.
Other names: c.2138T>C, p.Leu713Pro (NM_001077183.3, NM_001114382.3, NM_001363528.2 and 3 more transcripts); c.2027T>C, p.Leu676Pro (NM_001318827.2); c.1991T>C, p.Leu664Pro (NM_001318829.2); c.1538T>C, p.Leu513Pro (NM_001318831.2); c.2171T>C, p.Leu724Pro (NM_001318832.2); short protein forms L713P, L664P, L724P, L513P, L676P.
Identifiers: ClinVar variation 406033 (VCV000406033.8), dbSNP rs1060500942, ClinGen allele CA16615065.
Genomic context (GRCh38, chr16:2,072,281, plus strand): 5'-GACGCCTCCTCTCCTCGCAGGAGTCTGACTGGAAGGTGCTGAAGCTGGTTCTGGGCAGGC[T>C]GCCTGAGTCCCTGCGCTATAAAGTGCTCATCTTTACTTCCCCTTGCAGTGTGGACCAGCT-3'
Protein context (NP_000539.2, residues 703-723): WKVLKLVLGR[Leu713Pro]PESLRYKVLI